The following is an entry in ClinVar:

ClinVar aggregate classification (germline): Uncertain significance (1 of 4 stars; one submission).

Conditions:
Fanconi anemia complementation group O. Also called: RAD51C-Related Fanconi Anemia. Identifiers: Orphanet 84, MedGen C3150653, MONDO:0013248, OMIM 613390.

Submission:

Labcorp Genetics (formerly Invitae), Labcorp
Classification: Uncertain significance for Fanconi anemia complementation group O. Last evaluated: 2017-08-07. Review status: criteria provided, single submitter. Criteria: Invitae Variant Classification Sherloc (09022015). Collection method: clinical testing. Allele origin: germline.
Comment: This variant is a gross duplication of the genomic region encompassing exons 1-3 of the RAD51C gene. The 5' end of this event is unknown as it extends beyond the assayed region for this gene and therefore may encompass additional genes. The 3' boundary is likely confined to intron 3 of the RAD51C gene. The exact location of this variant in the genome is unknown. Duplication of exons 1-3 has not been reported in the literature in individuals with RAD51C-related disease. In summary, the available evidence is currently insufficient to determine the role of this variant in disease. Therefore, it has been classified as a Variant of Uncertain Significance.

NC_000017.10:g.(?_56769999)_(56774226_?)dup

Genes: RAD51C (RAD51 paralog C; plus strand), LOC130061310 (ATAC-STARR-seq lymphoblastoid active region 12491; plus strand). Cytogenetic location: 17q22.
Variant type: Duplication.
Identifiers: ClinVar variation 471419 (VCV000471419.1).